The following is an entry in ClinVar:

ClinVar aggregate classification (germline): Uncertain significance (1 of 4 stars; one submission).

Allele frequency attached by ClinVar (database versions not stated): gnomAD exomes below 0.00001; TOPMed below 0.00001; gnomAD 0.00001.
gnomAD v4.1: 2 of 1,613,906 alleles (0.00012%); highest among the groups gnomAD compares: African/African-American, 0.0027%; no homozygotes.

Submission:

GeneDx
Classification: Uncertain significance. Last evaluated: 2021-07-01. Review status: criteria provided, single submitter. Criteria: GeneDx Variant Classification Process June 2021. Collection method: clinical testing. Allele origin: germline. Affected: yes.
Comment: Not observed at significant frequency in large population cohorts (Lek et al., 2016); In silico analysis supports that this missense variant does not alter protein structure/function; Has not been previously published as pathogenic or benign to our knowledge; This variant is associated with the following publications: (PMID: 27535533)

NM_022455.5(NSD1):c.3766T>A (p.Leu1256Met)

Gene: NSD1 (nuclear receptor binding SET domain protein 1; plus strand). Cytogenetic location: 5q35.3.
Variant type: single nucleotide variant.
Coding change: c.3766T>A on transcript NM_022455.5 (MANE Select); coding-DNA position 3766, T replaced by A.
Protein change: p.Leu1256Met; replaces leucine 1256 with methionine.
Molecular consequence: missense variant.
Genome position (GRCh38, 1-based): chr5:177,212,165, T>A. VCF-style: chr5-177212165-T-A. GRCh37 (hg19) VCF-style: chr5-176639166-T-A.
Other names: c.2893T>A, p.Leu965Met (NM_001365684.2, NM_001409306.1, NM_001409307.1 and 3 more transcripts); c.3766T>A, p.Leu1256Met (NM_001409301.1, NM_001409302.1, NM_001409303.1); c.3346T>A, p.Leu1116Met (NM_001409304.1); c.3013T>A, p.Leu1005Met (NM_001409305.1); short protein forms L1256M, L987M, L1116M, L1005M, L965M.
Identifiers: ClinVar variation 1331198 (VCV001331198.2), dbSNP rs1276998178, ClinGen allele CA362327893.
Genomic context (GRCh38, chr5:177,212,165, plus strand): 5'-GTTTGTGATAAATCCAGTGCCAGCATTGGTGACATGGAAAAGGAGCCAGGAATTCCCAGT[T>A]TGACACCACAGGCTGAGCTCCCTGAACCAGGTAAGGACATCTAAATGTGATAAAAAAAAA-3'
Protein context (NP_071900.2, residues 1246-1266): DMEKEPGIPS[Leu1256Met]TPQAELPEPA